The following is an entry in ClinVar:

ClinVar aggregate classification (germline): Pathogenic. Review status: criteria provided, multiple submitters, no conflicts (2 of 4 stars). 4 submissions from 4 submitters: Pathogenic (3). 1 of the submissions does not count toward it. Last evaluated 2025-03-25.

Conditions:
Familial hemophagocytic lymphohistiocytosis (FHL). Also called: Hereditary hemophagocytic lymphohistiocytosis; Familial erythrophagocytic lymphohistiocytosis; Familial histiocytic reticulosis. Identifiers: Orphanet 158038, Orphanet 540, MedGen C0272199, MONDO:0015541.
Familial hemophagocytic lymphohistiocytosis 5. Also called: STXBP2-Related Familial Hemophagocytic Lymphohistiocytosis (STXBP2-fHLH). Identifiers: Orphanet 540, MedGen C2751293, MONDO:0013135, OMIM 613101.

Allele frequency attached by ClinVar (database versions not stated): gnomAD exomes 0.00002 and 0.00001; TOPMed 0.00001; ExAC 0.00002.

Submissions (4):

Labcorp Genetics (formerly Invitae), Labcorp
Classification: Pathogenic for Familial hemophagocytic lymphohistiocytosis 5. Last evaluated: 2025-03-25. Review status: criteria provided, single submitter. Criteria: Invitae Variant Classification Sherloc (09022015). Collection method: clinical testing. Allele origin: germline.
Comment: This sequence change replaces arginine, which is basic and polar, with glutamine, which is neutral and polar, at codon 405 of the STXBP2 protein (p.Arg405Gln). This variant is present in population databases (rs773360200, gnomAD 0.02%). This missense change has been observed in individuals with hemophagocytic lymphohistiocytosis (PMID: 19804848, 20798128, 23382066, 24194549, 28353193). This variant is also known as c.1205G>A. ClinVar contains an entry for this variant (Variation ID: 538148). Invitae Evidence Modeling of protein sequence and biophysical properties (such as structural, functional, and spatial information, amino acid conservation, physicochemical variation, residue mobility, and thermodynamic stability) indicates that this missense variant is expected to disrupt STXBP2 protein function with a positive predictive value of 95%. Experimental studies have shown that this missense change affects STXBP2 function (PMID: 19804848). Algorithms developed to predict the effect of sequence changes on RNA splicing suggest that this variant may create or strengthen a splice site. This variant disrupts the p.Arg405 amino acid residue in STXBP2. Other variant(s) that disrupt this residue have been determined to be pathogenic (PMID: 19804848, 28353193). This suggests that this residue is clinically significant, and that variants that disrupt this residue are likely to be disease-causing. For these reasons, this variant has been classified as Pathogenic.

Fulgent Genetics
Classification: Pathogenic for Familial hemophagocytic lymphohistiocytosis 5. Last evaluated: 2024-06-05. Review status: criteria provided, single submitter. Criteria: ACMG Guidelines, 2015. Collection method: clinical testing. Allele origin: germline.

Women's Health and Genetics/Laboratory Corporation of America, LabCorp
Classification: Pathogenic for Familial hemophagocytic lymphohistiocytosis. Last evaluated: 2023-03-02. Review status: criteria provided, single submitter. Criteria: LabCorp Variant Classification Summary - May 2015. Collection method: clinical testing. Allele origin: germline.
Comment: Variant summary: STXBP2 c.1214G>A (p.Arg405Gln) results in a conservative amino acid change in the encoded protein sequence. Four of five in-silico tools predict a damaging effect of the variant on protein function. The variant allele was found at a frequency of 1.6e-05 in 250548 control chromosomes (gnomAD). c.1214G>A has been reported in the literature in multiple individuals affected with Familial Hemophagocytic Lymphohistiocytosis (examples: Cetica_2010, Pagel_2012, and Zhang_2020). These data indicate that the variant is very likely to be associated with disease. One clinical diagnostic laboratories have submitted clinical-significance assessments for this variant to ClinVar after 2014 and classified the variant as pathogenic. Based on the evidence outlined above, the variant was classified as pathogenic.

OMIM
Classification: Pathogenic for HEMOPHAGOCYTIC LYMPHOHISTIOCYTOSIS, FAMILIAL, 5, WITH MICROVILLUS INCLUSION DISEASE. Last evaluated: 2022-05-20. Review status: no assertion criteria provided. Collection method: literature only. Allele origin: germline. Not counted in ClinVar's aggregate classification.

Literature cited by the submitters: PubMed 19804848 (cited by Labcorp Genetics (formerly Invitae), Labcorp); PubMed 20798128 (cited by Labcorp Genetics (formerly Invitae), Labcorp and Women's Health and Genetics/Laboratory Corporation of America, LabCorp); PubMed 23382066 (cited by Labcorp Genetics (formerly Invitae), Labcorp and OMIM); PubMed 24194549 (cited by Labcorp Genetics (formerly Invitae), Labcorp); PubMed 28353193 (cited by Labcorp Genetics (formerly Invitae), Labcorp); PubMed 32375849 (cited by Women's Health and Genetics/Laboratory Corporation of America, LabCorp); PubMed 22451424 (cited by Women's Health and Genetics/Laboratory Corporation of America, LabCorp).

NM_006949.4(STXBP2):c.1214G>A (p.Arg405Gln)

Gene: STXBP2 (syntaxin binding protein 2; plus strand). Cytogenetic location: 19p13.2.
Variant type: single nucleotide variant.
Coding change: c.1214G>A on transcript NM_006949.4 (MANE Select); coding-DNA position 1214, G replaced by A.
Protein change: p.Arg405Gln; replaces arginine 405 with glutamine.
Molecular consequence: missense variant. On other transcripts: non-coding transcript variant (1).
Genome position (GRCh38, 1-based): chr19:7,644,720, G>A. VCF-style: chr19-7644720-G-A. GRCh37 (hg19) VCF-style: chr19-7709606-G-A.
Other names: c.1205G>A, p.Arg402Gln (NM_001127396.3); c.1247G>A, p.Arg416Gln (NM_001272034.2); short protein forms R405Q, R402Q, R416Q.
Identifiers: ClinVar variation 538148 (VCV000538148.17), dbSNP rs773360200, ClinGen allele CA9144031.